The following is an entry in ClinVar:

NM_006017.3(PROM1):c.1738A>C (p.Asn580His)

Gene: PROM1 (prominin 1; minus strand). Cytogenetic location: 4p15.32.
Variant type: single nucleotide variant.
Coding change: c.1738A>C on transcript NM_006017.3 (MANE Select); coding-DNA position 1738, A replaced by C.
Protein change: p.Asn580His; replaces asparagine 580 with histidine.
Molecular consequence: missense variant.
Genome position (GRCh38, 1-based): chr4:15,994,016, T>G on the plus strand (A>C on the coding strand, the complement: PROM1 is on the minus strand). VCF-style: chr4-15994016-T-G. GRCh37 (hg19) VCF-style: chr4-15995639-T-G.
Other names: c.1711A>C, p.Asn571His (NM_001145847.2, NM_001145848.2, NM_001145851.2 and 4 more transcripts); c.1738A>C, p.Asn580His (NM_001145849.2, NM_001145850.2); short protein forms N571H, N580H.
Identifiers: ClinVar variation 899856 (VCV000899856.16), dbSNP rs199674847, ClinGen allele CA2866657.

ClinVar aggregate classification (germline): Conflicting classifications of pathogenicity. Review status: criteria provided, conflicting classifications (1 of 4 stars). 9 submissions from 6 submitters: Uncertain significance (6); Benign (1); Likely benign (2). Last evaluated 2025-12-29.

Conditions:
Retinal macular dystrophy type 2 (MCDR2). Also called: Bull's eye macular dystrophy. Identifiers: Orphanet 319640, MedGen C4749334, MONDO:0011957, OMIM 608051.
Retinal dystrophy. Also called: Inherited retinal dystrophy. Identifiers: Orphanet 71862, MedGen C0854723, MeSH D058499, MONDO:0019118, HP:0000556.
PROM1-related disorder. Also called: PROM1-related disorders; PROM1-related condition.
Retinitis pigmentosa (RP). Identifiers: Orphanet 791, MedGen C0035334, MeSH D012174, MONDO:0019200, OMIM 268000. Inheritance: Autosomal dominant, autosomal recessive and X linked inheritance.
Cone-rod dystrophy 12 (CORD12). Identifiers: Orphanet 1872, MedGen C2675210, MONDO:0012983, OMIM 612657.
Stargardt disease 4 (STGD4). Identifiers: Orphanet 827, MedGen C1863534, MONDO:0011370, OMIM 603786.

Allele frequency attached by ClinVar (database versions not stated): gnomAD 0.00001 and 0.00007; TOPMed 0.00001; ExAC 0.00011; gnomAD exomes 0.00012 and 0.00013; 1000 Genomes Project 30x 0.00016; 1000 Genomes Project 0.00020.
gnomAD v4.1: 192 of 1,614,014 alleles (0.012%); highest among the groups gnomAD compares: East Asian, 0.42%; no homozygotes.

Submissions (9):

Labcorp Genetics (formerly Invitae), Labcorp
Classification: Uncertain significance. Last evaluated: 2025-12-29. Review status: criteria provided, single submitter. Criteria: Invitae Variant Classification Sherloc (09022015). Collection method: clinical testing. Allele origin: germline.
Comment: This sequence change replaces asparagine, which is neutral and polar, with histidine, which is basic and polar, at codon 580 of the PROM1 protein (p.Asn580His). This variant is present in population databases (rs199674847, gnomAD 0.2%). This missense change has been observed in individual(s) with inherited retinal dystrophy (PMID: 26161267). ClinVar contains an entry for this variant (Variation ID: 899856). Invitae Evidence Modeling of protein sequence and biophysical properties (such as structural, functional, and spatial information, amino acid conservation, physicochemical variation, residue mobility, and thermodynamic stability) has been performed for this missense variant. However, the output from this modeling did not meet the statistical confidence thresholds required to predict the impact of this variant on PROM1 protein function. In summary, the available evidence is currently insufficient to determine the role of this variant in disease. Therefore, it has been classified as a Variant of Uncertain Significance.

PreventionGenetics, part of Exact Sciences
Classification: Likely benign for PROM1-related condition. Last evaluated: 2025-01-16. Review status: criteria provided, single submitter. Criteria: ACMG Guidelines, 2015. Collection method: clinical testing. Allele origin: germline.
Comment: This variant is classified as likely benign based on ACMG/AMP sequence variant interpretation guidelines (Richards et al. 2015 PMID: 25741868, with internal and published modifications).

Dept Of Ophthalmology, Nagoya University
Classification: Uncertain significance for Retinal dystrophy. Last evaluated: 2023-10-01. Review status: criteria provided, single submitter. Criteria: Submitter's publication. Collection method: research. Allele origin: germline. Affected: yes.

Blueprint Genetics
Classification: Uncertain significance. Last evaluated: 2023-08-28. Review status: criteria provided, single submitter. Criteria: ACMG Guidelines, 2015. Collection method: clinical testing. Allele origin: germline.

Illumina Laboratory Services, Illumina
Classification: Benign for Cone-rod dystrophy 12. Last evaluated: 2017-07-11. Review status: criteria provided, single submitter. Criteria: ICSL Variant Classification Criteria 13 December 2019. Collection method: clinical testing. Allele origin: germline.
Comment: This variant was observed as part of a predisposition screen in an ostensibly healthy population. A literature search was performed for the gene, cDNA change, and amino acid change (where applicable). Publications were found based on this search. The evidence from the literature, in combination with allele frequency data from public databases where available, was sufficient to rule this variant out of causing disease. Therefore, this variant is classified as benign.

Illumina Laboratory Services, Illumina
Classification: Likely benign for Stargardt disease 4. Last evaluated: 2017-07-11. Review status: criteria provided, single submitter. Criteria: ICSL Variant Classification Criteria 13 December 2019. Collection method: clinical testing. Allele origin: germline.
Comment: This variant was observed as part of a predisposition screen in an ostensibly healthy population. A literature search was performed for the gene, cDNA change, and amino acid change (where applicable). No publications were found based on this search. Allele frequency data from public databases allowed determination this variant is unlikely to cause disease. Therefore, this variant is classified as likely benign.

Illumina Laboratory Services, Illumina
Classification: Uncertain significance for Retinal macular dystrophy type 2. Last evaluated: 2017-07-11. Review status: criteria provided, single submitter. Criteria: ICSL Variant Classification Criteria 13 December 2019. Collection method: clinical testing. Allele origin: germline.

Illumina Laboratory Services, Illumina
Classification: Uncertain significance for Retinitis pigmentosa. Last evaluated: 2017-07-11. Review status: criteria provided, single submitter. Criteria: ICSL Variant Classification Criteria 13 December 2019. Collection method: clinical testing. Allele origin: germline.
Comment: This variant was observed as part of a predisposition screen in an ostensibly healthy population. A literature search was performed for the gene, cDNA change, and amino acid change (where applicable). Publications were found based on this search. However, the evidence from the literature, in combination with allele frequency data from public databases where available, was not sufficient to rule this variant in or out of causing disease. Therefore, this variant is classified as a variant of unknown significance.

Institute of Human Genetics, Univ. Regensburg, Univ. Regensburg
Classification: Uncertain significance for Retinal dystrophy. Last evaluated: 2017-01-01. Review status: criteria provided, single submitter. Criteria: ACMG Guidelines, 2015. Collection method: clinical testing. Allele origin: germline. Affected: yes.

Literature cited by the submitters: PubMed 26161267 (cited by 3 submitters).